The following is an entry in ClinVar:

NM_001369.3(DNAH5):c.2578-25dup

Genes: DNAH5-AS1 (DNAH5 antisense RNA 1; plus strand), DNAH5 (dynein axonemal heavy chain 5; minus strand). Cytogenetic location: 5p15.2.
Variant type: Duplication.
Coding change: c.2578-25dup on transcript NM_001369.3 (MANE Select); 25 bases into the intron before coding-DNA position 2578, one base duplicated (T; older notation c.2578-25dupT).
Molecular consequence: intron variant.
Genome position (GRCh38, 1-based): chr5:13,886,136, A duplicated on the plus strand (T on the coding strand, the reverse complement: DNAH5 is on the minus strand); the first of 19 consecutive A bases (chr5:13,886,136-13,886,154); duplicating any one gives the same sequence. VCF-style (leftmost placement, unchanged base first): chr5-13886135-C-CA. GRCh37 (hg19) VCF-style: chr5-13886244-C-CA.
Other names: p.?; c.2578-7dup (NM_001369.3, NM_001369.2); c.2578-7dupT (NM_001369.2).
Identifiers: ClinVar variation 1269037 (VCV001269037.4), dbSNP rs71600031, ClinGen allele CA3204537.

ClinVar aggregate classification (germline): Benign/Likely benign. Review status: criteria provided, multiple submitters, no conflicts (2 of 4 stars). 4 submissions from 4 submitters: Benign (2); Likely benign (1). 1 of the submissions does not count toward it. Last evaluated 2024-03-28.

Conditions:
Primary ciliary dyskinesia. Also called: Ciliary dyskinesia. Identifiers: Orphanet 244, MedGen C0008780, MONDO:0016575, HP:0012265.

Submissions (4):

Mayo Clinic Laboratories, Mayo Clinic
Classification: Benign. Last evaluated: 2024-03-28. Review status: criteria provided, single submitter. Criteria: ACMG Guidelines, 2015. Collection method: clinical testing. Allele origin: germline. Observed: 2 variant alleles.
Comment: BA1, BP4, BP7

GeneDx
Classification: Benign. Last evaluated: 2019-08-15. Review status: criteria provided, single submitter. Criteria: GeneDx Variant Classification Process June 2021. Collection method: clinical testing. Allele origin: germline. Affected: yes.

Ambry Genetics
Classification: Likely benign for Primary ciliary dyskinesia. Last evaluated: 2015-08-07. Review status: criteria provided, single submitter. Criteria: Ambry Variant Classification Scheme 2023. Collection method: clinical testing. Allele origin: germline.

Natera, Inc.
Classification: Benign for Primary ciliary dyskinesia. Last evaluated: 2019-09-27. Review status: no assertion criteria provided. Collection method: clinical testing. Allele origin: germline. Not counted in ClinVar's aggregate classification.